The following is an entry in ClinVar:

ClinVar aggregate classification (germline): Uncertain significance (1 of 4 stars; one submission).

Submission:

GeneDx
Classification: Uncertain significance. Last evaluated: 2023-08-11. Review status: criteria provided, single submitter. Criteria: GeneDx Variant Classification Process June 2021. Collection method: clinical testing. Allele origin: germline. Affected: yes.
Comment: Not observed at a significant frequency in large population cohorts (gnomAD); In silico analysis supports that this missense variant has a deleterious effect on protein structure/function; Has not been previously published as pathogenic or benign to our knowledge

NM_001037.5(SCN1B):c.214C>G (p.Arg72Gly)

Gene: SCN1B (sodium voltage-gated channel beta subunit 1; plus strand). Cytogenetic location: 19q13.11.
Variant type: single nucleotide variant.
Coding change: c.214C>G on transcript NM_001037.5 (MANE Select); coding-DNA position 214, C replaced by G.
Protein change: p.Arg72Gly; replaces arginine 72 with glycine.
Molecular consequence: missense variant.
Genome position (GRCh38, 1-based): chr19:35,033,505, C>G. VCF-style: chr19-35033505-C-G. GRCh37 (hg19) VCF-style: chr19-35524409-C-G.
Other names: c.115C>G, p.Arg39Gly (NM_001321605.2); c.214C>G, p.Arg72Gly (NM_199037.5); short protein forms R39G, R72G.
Identifiers: ClinVar variation 1307895 (VCV001307895.4), dbSNP rs746782800, ClinGen allele CA405328475.
Genomic context (GRCh38, chr19:35,033,505, plus strand): 5'-GTAAGGGAAGAGAGGCCCAGGCAGTGACACCTTCCCCTCCCTGGCTACCCCTAGATCCTG[C>G]GCTATGAGAATGAGGTGTTGCAGCTGGAGGAGGATGAGCGCTTCGAGGGCCGCGTGGTGT-3'
Protein context (NP_001028.1, residues 62-82): KGTEEFVKIL[Arg72Gly]YENEVLQLEE